The following is an entry in ClinVar:

ClinVar aggregate classification (germline): Uncertain significance (1 of 4 stars; one submission).

gnomAD v4.1: 138 of 1,613,882 alleles (0.0086%); highest among the groups gnomAD compares: Non-Finnish European, 0.01%; no homozygotes.

Submission:

CeGaT Center for Human Genetics Tuebingen
Classification: Uncertain significance. Last evaluated: 2025-02-01. Review status: criteria provided, single submitter. Criteria: CeGaT Center For Human Genetics Tuebingen Variant Classification Criteria Version 2. Collection method: clinical testing. Allele origin: germline. Affected: yes. Observed: 1 variant allele.
Comment: GDF9: PM2, BP4

NM_005260.7(GDF9):c.1128G>T (p.Arg376Ser)

Gene: GDF9 (growth differentiation factor 9; minus strand). Cytogenetic location: 5q31.1.
Variant type: single nucleotide variant.
Coding change: c.1128G>T on transcript NM_005260.7 (MANE Select); coding-DNA position 1128, G replaced by T.
Protein change: p.Arg376Ser; replaces arginine 376 with serine.
Molecular consequence: missense variant.
Genome position (GRCh38, 1-based): chr5:132,861,826, C>A on the plus strand (G>T on the coding strand, the complement: GDF9 is on the minus strand). VCF-style: chr5-132861826-C-A. GRCh37 (hg19) VCF-style: chr5-132197518-C-A.
Other names: c.864G>T, p.Arg288Ser (NM_001288824.4, NM_001288825.4, NM_001288826.3 and 2 more transcripts); short protein forms R288S, R376S.
Identifiers: ClinVar variation 3771610 (VCV003771610.13).